The following is an entry in ClinVar:

NM_012193.4(FZD4):c.1345A>G (p.Thr449Ala)

Genes: FZD4 (frizzled class receptor 4; minus strand), PRSS23 (serine protease 23; plus strand). Cytogenetic location: 11q14.2.
Variant type: single nucleotide variant.
Coding change: c.1345A>G on transcript NM_012193.4 (MANE Select); coding-DNA position 1345, A replaced by G.
Protein change: p.Thr449Ala; replaces threonine 449 with alanine.
Molecular consequence: missense variant. On other transcripts: non-coding transcript variant (2).
Genome position (GRCh38, 1-based): chr11:86,951,411, T>C on the plus strand (A>G on the coding strand, the complement: FZD4 is on the minus strand). VCF-style: chr11-86951411-T-C. GRCh37 (hg19) VCF-style: chr11-86662453-T-C.
Other names: short protein forms T449A.
Identifiers: ClinVar variation 3897338 (VCV003897338.1).

ClinVar aggregate classification (germline): Uncertain significance (1 of 4 stars; one submission).

gnomAD v4.1: 3 of 1,613,386 alleles (0.00019%); highest among the groups gnomAD compares: South Asian, 0.0011%; no homozygotes.

Submission:

GeneDx
Classification: Uncertain significance. Last evaluated: 2024-11-01. Review status: criteria provided, single submitter. Criteria: GeneDx Variant Classification Process June 2021. Collection method: clinical testing. Allele origin: germline. Affected: yes.
Comment: Not observed at significant frequency in large population cohorts (gnomAD); In silico analysis supports that this missense variant has a deleterious effect on protein structure/function; Has not been previously published as pathogenic or benign to our knowledge